The following is an entry in ClinVar:

ClinVar aggregate classification (germline): Uncertain significance. Review status: criteria provided, multiple submitters, no conflicts (2 of 4 stars). 3 submissions from 3 submitters: Uncertain significance (3). Last evaluated 2025-11-10.

Conditions:
Hereditary cancer-predisposing syndrome. Also called: Tumor predisposition; Neoplastic Syndromes, Hereditary; Hereditary Cancer Syndrome; Hereditary neoplastic syndrome. Identifiers: Orphanet 140162, MedGen C0027672, MeSH D009386, MONDO:0015356.
Fanconi anemia complementation group J. Also called: BRIP1-Related Fanconi Anemia. Identifiers: Orphanet 84, MedGen C1836860, MONDO:0012187, OMIM 609054.
Familial cancer of breast. Also called: BREAST CANCER, FAMILIAL; Hereditary breast cancer; hereditary breast carcinoma. Identifiers: Orphanet 227535, MedGen C0346153, MONDO:0016419, OMIM 114480. Disease mechanism: loss of function.

gnomAD v4.1: 1 of 1,613,966 alleles (0.000062%); highest among the groups gnomAD compares: Non-Finnish European, 0.000085%; no homozygotes.

Submissions (3):

Labcorp Genetics (formerly Invitae), Labcorp
Classification: Uncertain significance for Familial cancer of breast; Fanconi anemia complementation group J. Last evaluated: 2025-11-10. Review status: criteria provided, single submitter. Criteria: Invitae Variant Classification Sherloc (09022015). Collection method: clinical testing. Allele origin: germline.
Comment: This sequence change replaces alanine, which is neutral and non-polar, with threonine, which is neutral and polar, at codon 755 of the BRIP1 protein (p.Ala755Thr). This variant is not present in population databases (gnomAD no frequency). This variant has not been reported in the literature in individuals affected with BRIP1-related conditions. ClinVar contains an entry for this variant (Variation ID: 1788668). Invitae Evidence Modeling of protein sequence and biophysical properties (such as structural, functional, and spatial information, amino acid conservation, physicochemical variation, residue mobility, and thermodynamic stability) indicates that this missense variant is expected to disrupt BRIP1 protein function with a positive predictive value of 95%. In summary, the available evidence is currently insufficient to determine the role of this variant in disease. Therefore, it has been classified as a Variant of Uncertain Significance.

Ambry Genetics
Classification: Uncertain significance for Hereditary cancer-predisposing syndrome. Last evaluated: 2025-04-19. Review status: criteria provided, single submitter. Criteria: Ambry Variant Classification Scheme 2023. Collection method: clinical testing. Allele origin: germline.
Comment: The p.A755T variant (also known as c.2263G>A), located in coding exon 15 of the BRIP1 gene, results from a G to A substitution at nucleotide position 2263. The alanine at codon 755 is replaced by threonine, an amino acid with similar properties. This amino acid position is highly conserved in available vertebrate species. In addition, this alteration is predicted to be deleterious by in silico analysis. Since supporting evidence is limited at this time, the clinical significance of this alteration remains unclear.

Baylor Genetics
Classification: Uncertain significance for Familial cancer of breast. Last evaluated: 2024-02-29. Review status: criteria provided, single submitter. Criteria: ACMG Guidelines, 2015. Collection method: clinical testing. Allele origin: unknown.

NM_032043.3(BRIP1):c.2263G>A (p.Ala755Thr)

Gene: BRIP1 (BRCA1 interacting DNA helicase 1; minus strand). Cytogenetic location: 17q23.2.
Variant type: single nucleotide variant.
Coding change: c.2263G>A on transcript NM_032043.3 (MANE Select); coding-DNA position 2263, G replaced by A.
Protein change: p.Ala755Thr; replaces alanine 755 with threonine.
Molecular consequence: missense variant.
Genome position (GRCh38, 1-based): chr17:61,743,129, C>T on the plus strand (G>A on the coding strand, the complement: BRIP1 is on the minus strand). VCF-style: chr17-61743129-C-T. GRCh37 (hg19) VCF-style: chr17-59820490-C-T.
Other names: short protein forms A755T.
Identifiers: ClinVar variation 1788668 (VCV001788668.9), dbSNP rs2144680099, ClinGen allele CA400482758.